The following is an entry in ClinVar:

ClinVar aggregate classification (germline): Uncertain significance (1 of 4 stars; one submission).

Allele frequency attached by ClinVar (database versions not stated): gnomAD 0.00001; TOPMed below 0.00001; ExAC 0.00002; gnomAD exomes below 0.00001.
gnomAD v4.1: 4 of 1,613,922 alleles (0.00025%); highest among the groups gnomAD compares: Admixed American, 0.005%; no homozygotes.

Submission:

Labcorp Genetics (formerly Invitae), Labcorp
Classification: Uncertain significance. Last evaluated: 2025-07-23. Review status: criteria provided, single submitter. Criteria: Invitae Variant Classification Sherloc (09022015). Collection method: clinical testing. Allele origin: germline.
Comment: This sequence change replaces arginine, which is basic and polar, with glycine, which is neutral and non-polar, at codon 4 of the LBR protein (p.Arg4Gly). This variant is present in population databases (rs781666925, gnomAD 0.006%). This variant has not been reported in the literature in individuals affected with LBR-related conditions. ClinVar contains an entry for this variant (Variation ID: 2993300). Invitae Evidence Modeling of protein sequence and biophysical properties (such as structural, functional, and spatial information, amino acid conservation, physicochemical variation, residue mobility, and thermodynamic stability) has been performed for this missense variant. However, the output from this modeling did not meet the statistical confidence thresholds required to predict the impact of this variant on LBR protein function. In summary, the available evidence is currently insufficient to determine the role of this variant in disease. Therefore, it has been classified as a Variant of Uncertain Significance.

NM_002296.4(LBR):c.10A>G (p.Arg4Gly)

Gene: LBR (lamin B receptor; minus strand). Cytogenetic location: 1q42.12.
Variant type: single nucleotide variant.
Coding change: c.10A>G on transcript NM_002296.4 (MANE Select); coding-DNA position 10, A replaced by G.
Protein change: p.Arg4Gly; replaces arginine 4 with glycine.
Molecular consequence: missense variant.
Genome position (GRCh38, 1-based): chr1:225,424,066, T>C on the plus strand (A>G on the coding strand, the complement: LBR is on the minus strand). VCF-style: chr1-225424066-T-C. GRCh37 (hg19) VCF-style: chr1-225611768-T-C.
Other names: c.10A>G, p.Arg4Gly (NM_194442.3); short protein forms R4G.
Identifiers: ClinVar variation 2993300 (VCV002993300.3), dbSNP rs781666925, ClinGen allele CA1417591.